The following is an entry in ClinVar:

NM_152703.5(SAMD9L):c.2105C>A (p.Ser702Tyr)

Gene: SAMD9L (sterile alpha motif domain containing 9 like; minus strand). Cytogenetic location: 7q21.2.
Variant type: single nucleotide variant.
Coding change: c.2105C>A on transcript NM_152703.5 (MANE Select); coding-DNA position 2105, C replaced by A.
Protein change: p.Ser702Tyr; replaces serine 702 with tyrosine.
Molecular consequence: missense variant.
Genome position (GRCh38, 1-based): chr7:93,133,867, G>T on the plus strand (C>A on the coding strand, the complement: SAMD9L is on the minus strand). VCF-style: chr7-93133867-G-T. GRCh37 (hg19) VCF-style: chr7-92763180-G-T.
Other names: c.2105C>A, p.Ser702Tyr (NM_001303496.3, NM_001303497.3, NM_001303498.3 and 5 more transcripts); short protein forms S702Y.
Identifiers: ClinVar variation 4159350 (VCV004159350.1).
Genomic context (GRCh38, chr7:93,133,867, plus strand): 5'-ATTAAATCTTTAAGCTTTTCATAACTGTCCCTTTTAACAAAATCTGAAGAATAGTTTTCA[G>T]AAGAAAAATAGAAGTTCCACCAGGATACTTTGCCACCTCGATAAAAGTGTTCTTCTTTTG-3'
Protein context (NP_689916.2, residues 692-712): KVSWWNFYFS[Ser702Tyr]ENYSSDFVKR

ClinVar aggregate classification (germline): Uncertain significance (1 of 4 stars; one submission).

Conditions:
Inborn genetic diseases. Identifiers: MedGen C0950123, MeSH D030342.

Submission:

Ambry Genetics
Classification: Uncertain significance for Inborn genetic diseases. Last evaluated: 2025-07-22. Review status: criteria provided, single submitter. Criteria: Ambry Variant Classification Scheme 2023. Collection method: clinical testing. Allele origin: germline.
Comment: The p.S702Y variant (also known as c.2105C>A), located in coding exon 1 of the SAMD9L gene, results from a C to A substitution at nucleotide position 2105. The serine at codon 702 is replaced by tyrosine, an amino acid with dissimilar properties. This amino acid position is conserved. In addition, this alteration is predicted to be tolerated by in silico analysis. Based on the available evidence, the clinical significance of this variant remains unclear.